The following is an entry in ClinVar:

NM_001130144.3(LTBP3):c.190G>A (p.Val64Met)

Gene: LTBP3 (latent transforming growth factor beta binding protein 3; minus strand). Cytogenetic location: 11q13.1.
Variant type: single nucleotide variant.
Coding change: c.190G>A on transcript NM_001130144.3 (MANE Select); coding-DNA position 190, G replaced by A.
Protein change: p.Val64Met; replaces valine 64 with methionine.
Molecular consequence: missense variant. On other transcripts: 5 prime UTR variant (1).
Genome position (GRCh38, 1-based): chr11:65,557,770, C>T on the plus strand (G>A on the coding strand, the complement: LTBP3 is on the minus strand). VCF-style: chr11-65557770-C-T. GRCh37 (hg19) VCF-style: chr11-65325241-C-T.
Other names: c.-158G>A (NM_001164266.1); c.190G>A, p.Val64Met (NM_021070.4); short protein forms V64M.
Identifiers: ClinVar variation 2997841 (VCV002997841.3), dbSNP rs2496186770, ClinGen allele CA381278292.
Genomic context (GRCh38, chr11:65,557,770, plus strand): 5'-AACTGTCCCGACACTGGCCCTTGAGACAGGTCCGCTTGCAGATCACCGGCGCAAAGACCA[C>T]CTTGAAGCGCTCGCGGGCCAGCGCCCCGCCCCCGCCTGCGCCCCGCTCGCCGGCCGGCCC-3'
Protein context (NP_001123616.1, residues 54-74): GGALARERFK[Val64Met]VFAPVICKRT

ClinVar aggregate classification (germline): Uncertain significance (1 of 4 stars; one submission).

Conditions:
Brachyolmia-amelogenesis imperfecta syndrome. Also called: PLATYSPONDYLY WITH AMELOGENESIS IMPERFECTA; Tooth agenesis, selective, 6; Dental anomalies and short stature. Identifiers: Orphanet 2899, MedGen C1832594, MONDO:0011018, OMIM 601216. Disease mechanism: loss of function.

Submission:

Labcorp Genetics (formerly Invitae), Labcorp
Classification: Uncertain significance for Brachyolmia-amelogenesis imperfecta syndrome. Last evaluated: 2022-11-24. Review status: criteria provided, single submitter. Criteria: Invitae Variant Classification Sherloc (09022015). Collection method: clinical testing. Allele origin: germline.
Comment: In summary, the available evidence is currently insufficient to determine the role of this variant in disease. Therefore, it has been classified as a Variant of Uncertain Significance. Algorithms developed to predict the effect of missense changes on protein structure and function are either unavailable or do not agree on the potential impact of this missense change (SIFT: "Deleterious"; PolyPhen-2: "Probably Damaging"; Align-GVGD: "Class C0"). This variant has not been reported in the literature in individuals affected with LTBP3-related conditions. This variant is not present in population databases (gnomAD no frequency). This sequence change replaces valine, which is neutral and non-polar, with methionine, which is neutral and non-polar, at codon 64 of the LTBP3 protein (p.Val64Met).